The following is an entry in ClinVar:

ClinVar aggregate classification (germline): Likely benign (1 of 4 stars; one submission).

Submission:

GeneDx
Classification: Likely benign. Last evaluated: 2023-10-18. Review status: criteria provided, single submitter. Criteria: GeneDx Variant Classification Process June 2021. Collection method: clinical testing. Allele origin: germline. Affected: yes.
Comment: Not observed at significant frequency in large population cohorts (gnomAD); In silico analysis supports that this missense variant does not alter protein structure/function; Has not been previously published as pathogenic or benign to our knowledge

NM_001366145.2(TRPM3):c.3556G>A (p.Glu1186Lys)

Gene: TRPM3 (transient receptor potential cation channel subfamily M member 3; minus strand). Cytogenetic location: 9q21.12.
Variant type: single nucleotide variant.
Coding change: c.3556G>A on transcript NM_001366145.2 (MANE Select); coding-DNA position 3556, G replaced by A.
Protein change: p.Glu1186Lys; replaces glutamic acid 1186 with lysine.
Molecular consequence: missense variant.
Genome position (GRCh38, 1-based): chr9:70,552,862, C>T on the plus strand (G>A on the coding strand, the complement: TRPM3 is on the minus strand). VCF-style: chr9-70552862-C-T. GRCh37 (hg19) VCF-style: chr9-73167778-C-T.
Other names: c.3520G>A, p.Glu1174Lys (NM_001007471.4, NM_001366151.2); c.3526G>A, p.Glu1176Lys (NM_001366141.2, NM_001366143.2, NM_001366149.2); c.3562G>A, p.Glu1188Lys (NM_001366142.2); c.3556G>A, p.Glu1186Lys (NM_001366146.2); c.3631G>A, p.Glu1211Lys (NM_001366147.2, NM_001366152.2); c.3601G>A, p.Glu1201Lys (NM_001366148.2); c.3490G>A, p.Glu1164Lys (NM_001366150.2); c.3097G>A, p.Glu1033Lys (NM_001366154.2, NM_024971.7); and 5 more; short protein forms E1011K, E1021K, E1023K, E1033K, E1036K, E1046K, E1164K, E1174K.
Identifiers: ClinVar variation 1710649 (VCV001710649.3), dbSNP rs2538307490, ClinGen allele CA373553523.